The following is an entry in ClinVar:

NM_022552.5(DNMT3A):c.189T>A (p.Gly63=)

Gene: DNMT3A (DNA methyltransferase 3 alpha; minus strand). Cytogenetic location: 2p23.3.
Variant type: single nucleotide variant.
Coding change: c.189T>A on transcript NM_022552.5 (MANE Select); coding-DNA position 189, T replaced by A.
Protein change: p.Gly63=; no amino-acid change (glycine 63 retained).
Molecular consequence: synonymous variant. On other transcripts: non-coding transcript variant (1).
Genome position (GRCh38, 1-based): chr2:25,282,700, A>T on the plus strand (T>A on the coding strand, the complement: DNMT3A is on the minus strand). VCF-style: chr2-25282700-A-T. GRCh37 (hg19) VCF-style: chr2-25505569-A-T.
Other names: c.189T>A, p.Gly63= (NM_001320892.2, NM_175629.2, NM_175630.1).
Identifiers: ClinVar variation 4989104 (VCV004989104.1).
Genomic context (GRCh38, chr2:25,282,700, plus strand): 5'-GCCTGAGTCCTGGGCCATGGATGGGGACTTGGAGATCACCGCAGGGTCCTTTGGCGTGTC[A>T]CCGCTTTCCACCTGCAAATGTAAGAAAGATACACAAGAGGAGGGTTAGATCAGTGGGCTT-3'
Protein context (NP_072046.2, residues 53-73): RKRKHPPVES[Gly63=]DTPKDPAVIS

ClinVar aggregate classification (germline): Likely benign (1 of 4 stars; one submission).

Conditions:
DNMT3A-related disorder. Also called: DNMT3A-related disorders; DNMT3A-related condition.

gnomAD v4.1: 1 of 1,526,284 alleles (0.000066%); highest among the groups gnomAD compares: African/African-American, 0.0014%; no homozygotes.

Submission:

PreventionGenetics, part of Exact Sciences
Classification: Likely benign for DNMT3A-related condition. Last evaluated: 2026-01-02. Review status: criteria provided, single submitter. Criteria: ACMG Guidelines, 2015. Collection method: clinical testing. Allele origin: germline.
Comment: This variant is classified as likely benign based on ACMG/AMP sequence variant interpretation guidelines (Richards et al. 2015 PMID: 25741868, with internal and published modifications).